The following is an entry in ClinVar:

ClinVar aggregate classification (germline): Uncertain significance (1 of 4 stars; one submission).

Conditions:
Long QT syndrome (LQTS). Identifiers: MedGen C0023976, MeSH D008133, MONDO:0002442. Disease mechanism: loss of function. Inheritance: Various modes of inheritance.

Submission:

Labcorp Genetics (formerly Invitae), Labcorp
Classification: Uncertain significance for Long QT syndrome. Last evaluated: 2022-09-14. Review status: criteria provided, single submitter. Criteria: Invitae Variant Classification Sherloc (09022015). Collection method: clinical testing. Allele origin: germline.
Comment: This sequence change replaces glutamic acid, which is acidic and polar, with lysine, which is basic and polar, at codon 2881 of the ANK2 protein (p.Glu2881Lys). This variant is not present in population databases (gnomAD no frequency). This variant has not been reported in the literature in individuals affected with ANK2-related conditions. ClinVar contains an entry for this variant (Variation ID: 1059464). Algorithms developed to predict the effect of missense changes on protein structure and function (SIFT, PolyPhen-2, Align-GVGD) all suggest that this variant is likely to be tolerated. In summary, the available evidence is currently insufficient to determine the role of this variant in disease. Therefore, it has been classified as a Variant of Uncertain Significance.

NM_001148.6(ANK2):c.8641G>A (p.Glu2881Lys)

Gene: ANK2 (ankyrin 2; plus strand). Cytogenetic location: 4q26.
Variant type: single nucleotide variant.
Coding change: c.8641G>A on transcript NM_001148.6 (MANE Select); coding-DNA position 8641, G replaced by A.
Protein change: p.Glu2881Lys; replaces glutamic acid 2881 with lysine.
Molecular consequence: missense variant. On other transcripts: intron variant (68).
Genome position (GRCh38, 1-based): chr4:113,357,259, G>A. VCF-style: chr4-113357259-G-A. GRCh37 (hg19) VCF-style: chr4-114278415-G-A.
Other names: c.8407G>A, p.Glu2803Lys (NM_001386142.1); c.5041G>A, p.Glu1681Lys (NM_001386166.1); c.8782G>A, p.Glu2928Lys (NM_001386174.1); c.8758G>A, p.Glu2920Lys (NM_001386175.1); c.4412-3564G>A (NM_001386186.2, NM_001386148.2); c.4214-3564G>A (NM_001354269.3); c.4292-3564G>A (NM_001386187.2); c.4253-3564G>A (NM_001386147.1); and 35 more; short protein forms E1681K, E2803K, E2881K, E2920K, E2928K.
Identifiers: ClinVar variation 1059464 (VCV001059464.5), dbSNP rs2154027405, ClinGen allele CA357934510.